The following is an entry in ClinVar:

ClinVar aggregate classification (germline): Pathogenic (1 of 4 stars; one submission).

Conditions:
Primary ciliary dyskinesia. Also called: Ciliary dyskinesia. Identifiers: Orphanet 244, MedGen C0008780, MONDO:0016575, HP:0012265.

Submission:

Labcorp Genetics (formerly Invitae), Labcorp
Classification: Pathogenic for Primary ciliary dyskinesia. Last evaluated: 2021-08-14. Review status: criteria provided, single submitter. Criteria: Invitae Variant Classification Sherloc (09022015). Collection method: clinical testing. Allele origin: germline.
Comment: For these reasons, this variant has been classified as Pathogenic. This variant has not been reported in the literature in individuals affected with DNAH5-related conditions. This variant is not present in population databases (ExAC no frequency). This sequence change creates a premature translational stop signal (p.Gln1362Profs*5) in the DNAH5 gene. It is expected to result in an absent or disrupted protein product. Loss-of-function variants in DNAH5 are known to be pathogenic (PMID: 11788826, 16627867).

Literature cited by the submitters: PubMed 11788826; PubMed 16627867.

NM_001369.3(DNAH5):c.4084dup (p.Gln1362fs)

Genes: DNAH5-AS1 (DNAH5 antisense RNA 1; plus strand), DNAH5 (dynein axonemal heavy chain 5; minus strand). Cytogenetic location: 5p15.2.
Variant type: Duplication.
Coding change: c.4084dup on transcript NM_001369.3 (MANE Select); coding-DNA position 4084, one base duplicated (C; older notation c.4084dupC).
Protein change: p.Gln1362fs; shifts the reading frame from glutamine 1362.
Molecular consequence: frameshift variant.
Genome position (GRCh38, 1-based): chr5:13,866,252, G duplicated on the plus strand (C on the coding strand, the reverse complement: DNAH5 is on the minus strand); the first of 4 consecutive G bases (chr5:13,866,252-13,866,255); duplicating any one gives the same sequence. VCF-style (leftmost placement, unchanged base first): chr5-13866251-T-TG. GRCh37 (hg19) VCF-style: chr5-13866360-T-TG.
Other names: short protein forms Q1362fs.
Identifiers: ClinVar variation 1456013 (VCV001456013.6), dbSNP rs2151911603, ClinGen allele CA2573138483.